The following is an entry in ClinVar:

ClinVar aggregate classification (germline): Uncertain significance (1 of 4 stars; one submission).

Submission:

Labcorp Genetics (formerly Invitae), Labcorp
Classification: Uncertain significance. Last evaluated: 2022-05-21. Review status: criteria provided, single submitter. Criteria: Invitae Variant Classification Sherloc (09022015). Collection method: clinical testing. Allele origin: germline.
Comment: In summary, the available evidence is currently insufficient to determine the role of this variant in disease. Therefore, it has been classified as a Variant of Uncertain Significance. Experimental studies and prediction algorithms are not available or were not evaluated, and the functional significance of this variant is currently unknown. This variant has not been reported in the literature in individuals affected with COL18A1-related conditions. This variant is not present in population databases (gnomAD no frequency). This sequence change replaces proline, which is neutral and non-polar, with serine, which is neutral and polar, at codon 540 of the COL18A1 protein (p.Pro540Ser).

NM_001379500.1(COL18A1):c.1618C>T (p.Pro540Ser)

Gene: COL18A1 (collagen type XVIII alpha 1 chain; plus strand). Cytogenetic location: 21q22.3.
Variant type: single nucleotide variant.
Coding change: c.1618C>T on transcript NM_001379500.1 (MANE Select); coding-DNA position 1618, C replaced by T.
Protein change: p.Pro540Ser; replaces proline 540 with serine.
Molecular consequence: missense variant.
Genome position (GRCh38, 1-based): chr21:45,481,969, C>T. VCF-style: chr21-45481969-C-T. GRCh37 (hg19) VCF-style: chr21-46901883-C-T.
Other names: c.2158C>T, p.Pro720Ser (NM_030582.4); c.2863C>T, p.Pro955Ser (NM_130444.3); short protein forms P540S, P955S, P720S.
Identifiers: ClinVar variation 1381287 (VCV001381287.6), dbSNP rs1396627996, ClinGen allele CA410518570.
Genomic context (GRCh38, chr21:45,481,969, plus strand): 5'-ATCGTTTTAGTGGCCGAATGCCATCAAGACCCACTATGCTCTGCTCTCCCCCAGGGACCC[C>T]CAGGCCCTCCGGGAAGAGAGGGGCCCCCAGGAAGGACTGGGCAGAAAGGCAGCCTGGTAA-3'
Protein context (NP_001366429.1, residues 530-550): PPGFPGLPGP[Pro540Ser]GPPGREGPPG